The following is an entry in ClinVar:

NM_004813.4(PEX16):c.146del (p.Leu49fs)

Gene: PEX16 (peroxisomal biogenesis factor 16; minus strand). Cytogenetic location: 11p11.2.
Variant type: Deletion.
Coding change: c.146del on transcript NM_004813.4 (MANE Select); coding-DNA position 146, one base deleted (T; older notation c.146delT).
Protein change: p.Leu49fs; shifts the reading frame from leucine 49.
Molecular consequence: frameshift variant.
Genome position (GRCh38, 1-based): chr11:45,917,460, A deleted on the plus strand (T on the coding strand, the reverse complement: PEX16 is on the minus strand). VCF-style (leftmost placement, unchanged base first): chr11-45917459-CA-C. GRCh37 (hg19) VCF-style: chr11-45939010-CA-C.
Other names: c.146del, p.Leu49fs (NM_057174.3); short protein forms L49fs.
Identifiers: ClinVar variation 3643414 (VCV003643414.2).

ClinVar aggregate classification (germline): Pathogenic (1 of 4 stars; one submission).

Conditions:
Peroxisome biogenesis disorder. Identifiers: Orphanet 79189, MedGen C1832200, MONDO:0019234. Disease mechanism: loss of function.

Submission:

Labcorp Genetics (formerly Invitae), Labcorp
Classification: Pathogenic for Peroxisome biogenesis disorder. Last evaluated: 2024-02-26. Review status: criteria provided, single submitter. Criteria: Invitae Variant Classification Sherloc (09022015). Collection method: clinical testing. Allele origin: germline.
Comment: This sequence change creates a premature translational stop signal (p.Leu49Argfs*35) in the PEX16 gene. It is expected to result in an absent or disrupted protein product. Loss-of-function variants in PEX16 are known to be pathogenic (PMID: 9837814, 11890679, 20647552, 20681997). This variant is not present in population databases (gnomAD no frequency). This variant has not been reported in the literature in individuals affected with PEX16-related conditions. For these reasons, this variant has been classified as Pathogenic.

Literature cited by the submitters: PubMed 9837814; PubMed 11890679; PubMed 20647552; PubMed 20681997.